The following continues an entry in ClinVar:

NM_025114.4(CEP290):c.7394_7395del (p.Glu2465fs)

ClinVar aggregate classification (germline): Likely benign. Likely benign (1).

Submissions 11 to 12 of 12:

PreventionGenetics, part of Exact Sciences
Classification: Uncertain significance for CEP290-related condition. Last evaluated: 2024-09-10. Review status: no assertion criteria provided. Collection method: clinical testing. Allele origin: germline. Not counted in ClinVar's aggregate classification.
Comment: The CEP290 c.7394_7395delAG variant is predicted to result in a frameshift and premature protein termination (p.Glu2465Valfs*2). This deletion is near the C-terminus of the CEP290 protein and is predicted to result in a protein that is 12 amino acids shorter than the reference protein. This variant has been reported as a variant of uncertain significance in a large cohort study of patients with obesity (Savas et al. 2019. PubMed ID: 31216558). This variant is reported in 0.42% of alleles in individuals of South Asian descent in gnomAD, including two homozygotes. This population data provides evidence against pathogenicity. However, at this time, the clinical significance of this variant is uncertain due to the absence of conclusive functional and genetic evidence.

Department of Pathology and Laboratory Medicine, Sinai Health System
Classification: Likely benign. Review status: no assertion criteria provided. Collection method: clinical testing. Allele origin: unknown. Affected: yes. Study: The Canadian Open Genetics Repository (COGR). Not counted in ClinVar's aggregate classification.
Comment: The CEP290 p.Glu2465Valfs*2 variant was not identified in the literature but was identified in dbSNP (ID: rs569673313) and ClinVar (classified as benign by Invitae; as likely pathogenic by CeGaT Praxis; and as uncertain significance by GeneDx and Shahid Beheshti University of Medical Sciences). The variant was identified in control databases in 144 of 241004 chromosomes (2 homozygous) at a frequency of 0.0005975 increasing the likelihood this could be a low frequency benign variant (Genome Aggregation Database March 6, 2019, v2.1.1). The variant was observed in the following populations: South Asian in 119 of 28430 chromosomes (freq: 0.004186), European (non-Finnish) in 21 of 108954 chromosomes (freq: 0.000193), Ashkenazi Jewish in 1 of 9878 chromosomes (freq: 0.000101) and Latino in 3 of 33318 chromosomes (freq: 0.00009), but was not observed in the African, East Asian, European (Finnish), or Other populations. The c.7394_7395del variant is predicted to cause a frameshift, which alters the protein's amino acid sequence beginning at codon 2465 and leads to a premature stop codon at position 2. This variant occurs in the last exon of the CEP290 gene, therefore it is not expected to result in loss of function. The variant occurs outside of the splicing consensus sequence and in silico or computational prediction software programs (SpliceSiteFinder, MaxEntScan, NNSPLICE, GeneSplicer) do not predict a difference in splicing. In summary, based on the above information the clinical significance of this variant cannot be determined with certainty at this time although we would lean towards a more benign role for this variant. This variant is classified as likely benign.

Literature cited by the submitters: PubMed 34196655 (cited by Women's Health and Genetics/Laboratory Corporation of America, LabCorp and Institute of Human Genetics, Univ. Regensburg, Univ. Regensburg); PubMed 34327195 (cited by Women's Health and Genetics/Laboratory Corporation of America, LabCorp and Institute of Human Genetics, Univ. Regensburg, Univ. Regensburg); PubMed 32139166 (cited by Women's Health and Genetics/Laboratory Corporation of America, LabCorp); PubMed 35123515 (cited by Women's Health and Genetics/Laboratory Corporation of America, LabCorp and Institute of Human Genetics, Univ. Regensburg, Univ. Regensburg); PubMed 22848652 (cited by Women's Health and Genetics/Laboratory Corporation of America, LabCorp and Institute of Human Genetics, Univ. Regensburg, Univ. Regensburg).